The following is an entry in ClinVar:

ClinVar aggregate classification (germline): Uncertain significance (1 of 4 stars; one submission).

Submission:

Labcorp Genetics (formerly Invitae), Labcorp
Classification: Uncertain significance. Last evaluated: 2022-05-29. Review status: criteria provided, single submitter. Criteria: Invitae Variant Classification Sherloc (09022015). Collection method: clinical testing. Allele origin: germline.
Comment: This sequence change replaces asparagine, which is neutral and polar, with tyrosine, which is neutral and polar, at codon 53 of the FRMD7 protein (p.Asn53Tyr). This variant is not present in population databases (gnomAD no frequency). This variant has not been reported in the literature in individuals affected with FRMD7-related conditions. Algorithms developed to predict the effect of missense changes on protein structure and function are either unavailable or do not agree on the potential impact of this missense change (SIFT: "Tolerated"; PolyPhen-2: "Possibly Damaging"; Align-GVGD: "Class C0"). In summary, the available evidence is currently insufficient to determine the role of this variant in disease. Therefore, it has been classified as a Variant of Uncertain Significance.

NM_194277.3(FRMD7):c.157A>T (p.Asn53Tyr)

Gene: FRMD7 (FERM domain containing 7; minus strand). Cytogenetic location: Xq26.2.
Variant type: single nucleotide variant.
Coding change: c.157A>T on transcript NM_194277.3 (MANE Select); coding-DNA position 157, A replaced by T.
Protein change: p.Asn53Tyr; replaces asparagine 53 with tyrosine.
Molecular consequence: missense variant.
Genome position (GRCh38, 1-based): chrX:132,100,617, T>A on the plus strand (A>T on the coding strand, the complement: FRMD7 is on the minus strand). VCF-style: chrX-132100617-T-A. GRCh37 (hg19) VCF-style: chrX-131234645-T-A.
Other names: c.157A>T, p.Asn53Tyr (NM_001306193.2); short protein forms N53Y.
Identifiers: ClinVar variation 2000806 (VCV002000806.4), dbSNP rs946251964, ClinGen allele CA414682103.